The following is an entry in ClinVar:

ClinVar aggregate classification (germline): Benign/Likely benign. Review status: criteria provided, multiple submitters, no conflicts (2 of 4 stars). 5 submissions from 5 submitters: Benign (1); Likely benign (4). Last evaluated 2025-06-02.

Conditions:
Hereditary cancer-predisposing syndrome. Also called: Tumor predisposition; Hereditary neoplastic syndrome; Neoplastic Syndromes, Hereditary; Hereditary Cancer Syndrome. Identifiers: Orphanet 140162, MedGen C0027672, MeSH D009386, MONDO:0015356.
Hereditary nonpolyposis colorectal neoplasms. Identifiers: MedGen C0009405, MeSH D003123.
Lynch syndrome. Identifiers: Orphanet 144, MedGen C4552100, MONDO:0005835. Disease mechanism: loss of function.
Lynch syndrome 4 (LYNCH4). Also called: Colorectal cancer, hereditary nonpolyposis, type 4; Hereditary non-polyposis colorectal cancer, type 4. Identifiers: Orphanet 144, MedGen C1838333, MONDO:0013699, OMIM 614337. Disease mechanism: loss of function.

Allele frequency attached by ClinVar (database versions not stated): gnomAD exomes below 0.00001; TOPMed below 0.00001.
gnomAD v4.1: 6 of 1,562,714 alleles (0.00038%); highest among the groups gnomAD compares: Non-Finnish European, 0.00053%; no homozygotes.

Submissions (5):

Labcorp Genetics (formerly Invitae), Labcorp
Classification: Likely benign for Hereditary nonpolyposis colorectal neoplasms. Last evaluated: 2025-06-02. Review status: criteria provided, single submitter. Criteria: Invitae Variant Classification Sherloc (09022015). Collection method: clinical testing. Allele origin: germline.

Myriad Genetics, Inc.
Classification: Likely benign for Lynch syndrome 4. Last evaluated: 2025-01-23. Review status: criteria provided, single submitter. Criteria: Myriad Autosomal Dominant, Autosomal Recessive and X-Linked Classification Criteria (2023). Collection method: clinical testing. Allele origin: unknown.
Comment: This variant is considered likely benign. This variant is intronic and is not expected to impact mRNA splicing.

Sema4
Classification: Likely benign for Hereditary cancer-predisposing syndrome. Last evaluated: 2020-11-05. Review status: criteria provided, single submitter. Criteria: Sema4 Curation Guidelines. Collection method: curation. Allele origin: germline.

University of Washington Department of Laboratory Medicine, University of Washington
Classification: Benign for Lynch syndrome. Last evaluated: 2018-05-01. Review status: criteria provided, single submitter. Criteria: Shirts BH et al. (Am J Hum Genet 2018). Collection method: clinical testing. Allele origin: somatic. Affected: yes.
Comment: PMS2 NM_000535.5:c.250+8G>A has a 0.9% probability of pathogenicity based on combining prior probability from public data with a likelihood ratio of 0.16 to 1, generated from evidence of seeing this as a somatic mutation in a tumor with loss of heterozygosity at the PMS2 locus. See Shirts et al 2018, PMID 29887214.

GeneDx
Classification: Likely benign. Last evaluated: 2016-06-06. Review status: criteria provided, single submitter. Criteria: GeneDx Variant Classification (06012015). Collection method: clinical testing. Allele origin: germline. Affected: yes.
Comment: This variant is considered likely benign or benign based on one or more of the following criteria: it is a conservative change, it occurs at a poorly conserved position in the protein, it is predicted to be benign by multiple in silico algorithms, and/or has population frequency not consistent with disease.

NM_000535.7(PMS2):c.250+8G>A

Gene: PMS2 (PMS1 homolog 2, mismatch repair system component; minus strand). Cytogenetic location: 7p22.1.
Variant type: single nucleotide variant.
Coding change: c.250+8G>A on transcript NM_000535.7 (MANE Select); 8 bases into the intron after coding-DNA position 250, G replaced by A.
Molecular consequence: intron variant.
Genome position (GRCh38, 1-based): chr7:6,003,964, C>T on the plus strand (G>A on the coding strand, the complement: PMS2 is on the minus strand). VCF-style: chr7-6003964-C-T. GRCh37 (hg19) VCF-style: chr7-6043595-C-T.
Other names: c.35+8G>A (NM_001322008.2, NM_001322007.2); c.-156+8G>A (NM_001322010.2, NM_001322004.2, NM_001322013.2 and 3 more transcripts); c.-635+8G>A (NM_001322012.2, NM_001322011.2); c.-235+8G>A (NM_001322015.2); c.250+8G>A (NM_001322006.2, NM_001322014.2).
Identifiers: ClinVar variation 379155 (VCV000379155.13), dbSNP rs1057520511, ClinGen allele CA16605254.